The following is an entry in ClinVar:

NM_013275.6(ANKRD11):c.7847T>C (p.Leu2616Pro)

Gene: ANKRD11 (ankyrin repeat domain containing 11; minus strand). Cytogenetic location: 16q24.3.
Variant type: single nucleotide variant.
Coding change: c.7847T>C on transcript NM_013275.6 (MANE Select); coding-DNA position 7847, T replaced by C.
Protein change: p.Leu2616Pro; replaces leucine 2616 with proline.
Molecular consequence: missense variant.
Genome position (GRCh38, 1-based): chr16:89,268,623, A>G on the plus strand (T>C on the coding strand, the complement: ANKRD11 is on the minus strand). VCF-style: chr16-89268623-A-G. GRCh37 (hg19) VCF-style: chr16-89335031-A-G.
Other names: c.7847T>C, p.Leu2616Pro (NM_001256182.2, NM_001256183.2); short protein forms L2616P.
Identifiers: ClinVar variation 589562 (VCV000589562.5), dbSNP rs1567533174, ClinGen allele CA397145263.

ClinVar aggregate classification (germline): Uncertain significance (1 of 4 stars; one submission).

Conditions:
Inborn genetic diseases. Identifiers: MedGen C0950123, MeSH D030342.

Submission:

Ambry Genetics
Classification: Uncertain significance for Inborn genetic diseases. Last evaluated: 2017-03-14. Review status: criteria provided, single submitter. Criteria: Ambry Variant Classification Scheme 2023. Collection method: clinical testing. Allele origin: germline.
Comment: The p.L2616P variant (also known as c.7847T>C), located in coding exon 11 of the ANKRD11 gene, results from a T to C substitution at nucleotide position 7847. The leucine at codon 2616 is replaced by proline, an amino acid with similar properties. This amino acid position is highly conserved in available vertebrate species. In addition, this alteration is predicted to be deleterious by in silico analysis. Since supporting evidence is limited at this time, the clinical significance of this alteration remains unclear.